The following is an entry in ClinVar:

ClinVar aggregate classification (germline): Pathogenic/Likely pathogenic. Review status: criteria provided, multiple submitters, no conflicts (2 of 4 stars). 2 submissions from 2 submitters: Pathogenic (1); Likely pathogenic (1). Last evaluated 2022-01-16.

Conditions:
Epilepsy, idiopathic generalized, susceptibility to, 15 (EIG15). Identifiers: MedGen C5193050, MONDO:0032699, OMIM 618357.

Submissions (2):

Labcorp Genetics (formerly Invitae), Labcorp
Classification: Likely pathogenic. Last evaluated: 2022-01-16. Review status: criteria provided, single submitter. Criteria: Invitae Variant Classification Sherloc (09022015). Collection method: clinical testing. Allele origin: germline.
Comment: In summary, the currently available evidence indicates that the variant is pathogenic, but additional data are needed to prove that conclusively. Therefore, this variant has been classified as Likely Pathogenic. Algorithms developed to predict the effect of sequence changes on RNA splicing suggest that this variant may disrupt the consensus splice site. This variant has not been reported in the literature in individuals affected with RORB-related conditions. This variant is not present in population databases (gnomAD no frequency). This sequence change affects an acceptor splice site in intron 2 of the RORB gene. It is expected to disrupt RNA splicing. Variants that disrupt the donor or acceptor splice site typically lead to a loss of protein function (PMID: 16199547), and loss-of-function variants in RORB are known to be pathogenic (PMID: 27352968).

Laboratorio de Genetica e Diagnostico Molecular, Hospital Israelita Albert Einstein
Classification: Pathogenic for Epilepsy, idiopathic generalized, susceptibility to, 15. Last evaluated: 2021-10-06. Review status: criteria provided, single submitter. Criteria: ACMG Guidelines, 2015. Collection method: clinical testing. Allele origin: germline. Affected: yes.
Comment: ACMG classification criteria: PVS1 very strong, PS4 supporting, PM2 moderate

Literature cited by the submitters: PubMed 16199547 (cited by Labcorp Genetics (formerly Invitae), Labcorp); PubMed 27352968 (cited by Labcorp Genetics (formerly Invitae), Labcorp).

NM_006914.4(RORB):c.94-1G>A

Gene: RORB (RAR related orphan receptor B; plus strand). Cytogenetic location: 9q21.13.
Variant type: single nucleotide variant.
Coding change: c.94-1G>A on transcript NM_006914.4 (MANE Select); the canonical splice acceptor site of the intron before coding-DNA position 94, G replaced by A.
Molecular consequence: splice acceptor variant.
Genome position (GRCh38, 1-based): chr9:74,634,630, G>A. VCF-style: chr9-74634630-G-A. GRCh37 (hg19) VCF-style: chr9-77249546-G-A.
Other names: c.127-1G>A (NM_001365023.1).
Identifiers: ClinVar variation 1683646 (VCV001683646.7), dbSNP rs2118433023, ClinGen allele CA373772071.